The following is an entry in ClinVar:

NM_001378477.3(NYX):c.989G>T (p.Arg330Leu)

Gene: NYX (nyctalopin; plus strand). Cytogenetic location: Xp11.4.
Variant type: single nucleotide variant.
Coding change: c.989G>T on transcript NM_001378477.3 (MANE Select); coding-DNA position 989, G replaced by T.
Protein change: p.Arg330Leu; replaces arginine 330 with leucine.
Molecular consequence: missense variant.
Genome position (GRCh38, 1-based): chrX:41,474,457, G>T. VCF-style: chrX-41474457-G-T. GRCh37 (hg19) VCF-style: chrX-41333710-G-T.
Other names: c.989G>T, p.Arg330Leu (NM_022567.3); short protein forms R330L.
Identifiers: ClinVar variation 2095341 (VCV002095341.4), dbSNP rs2519608509, ClinGen allele CA412992062.

ClinVar aggregate classification (germline): Uncertain significance (1 of 4 stars; one submission).

Submission:

Labcorp Genetics (formerly Invitae), Labcorp
Classification: Uncertain significance. Last evaluated: 2024-02-17. Review status: criteria provided, single submitter. Criteria: Invitae Variant Classification Sherloc (09022015). Collection method: clinical testing. Allele origin: germline.
Comment: This sequence change replaces arginine, which is basic and polar, with leucine, which is neutral and non-polar, at codon 335 of the NYX protein (p.Arg335Leu). This variant is not present in population databases (gnomAD no frequency). This variant has not been reported in the literature in individuals affected with NYX-related conditions. ClinVar contains an entry for this variant (Variation ID: 2095341). Advanced modeling of protein sequence and biophysical properties (such as structural, functional, and spatial information, amino acid conservation, physicochemical variation, residue mobility, and thermodynamic stability) performed at Invitae indicates that this missense variant is not expected to disrupt NYX protein function with a negative predictive value of 80%. In summary, the available evidence is currently insufficient to determine the role of this variant in disease. Therefore, it has been classified as a Variant of Uncertain Significance.